The following is an entry in ClinVar:

NM_000478.6(ALPL):c.371A>G (p.Asn124Ser)

Gene: ALPL (alkaline phosphatase, biomineralization associated; plus strand). Cytogenetic location: 1p36.12.
Variant type: single nucleotide variant.
Coding change: c.371A>G on transcript NM_000478.6 (MANE Select); coding-DNA position 371, A replaced by G.
Protein change: p.Asn124Ser; replaces asparagine 124 with serine.
Molecular consequence: missense variant.
Genome position (GRCh38, 1-based): chr1:21,563,183, A>G. VCF-style: chr1-21563183-A-G. GRCh37 (hg19) VCF-style: chr1-21889676-A-G.
Other names: c.206A>G, p.Asn69Ser (NM_001127501.4); c.140A>G, p.Asn47Ser (NM_001177520.3); c.371A>G, p.Asn124Ser (NM_001369803.2, NM_001369804.2, NM_001369805.2); short protein forms N124S, N47S, N69S.
Identifiers: ClinVar variation 1057142 (VCV001057142.13), dbSNP rs11586344, ClinGen allele CA666468.

ClinVar aggregate classification (germline): Conflicting classifications of pathogenicity. Review status: criteria provided, conflicting classifications (1 of 4 stars). 5 submissions from 5 submitters: Likely pathogenic (2); Uncertain significance (3). Last evaluated 2025-08-29.

Conditions:
Hypophosphatasia. Also called: Phosphoethanol-aminuria. Identifiers: Orphanet 436, MedGen C0020630, MeSH D007014, MONDO:0018570.
Adult hypophosphatasia. Identifiers: Orphanet 247676, Orphanet 436, MedGen C0268413, MONDO:1010154, OMIM 146300, MONDO:0007798.
Childhood hypophosphatasia. Identifiers: Orphanet 247667, Orphanet 436, MedGen C0220743, MONDO:1010168, OMIM 241510, MONDO:0009428.
Infantile hypophosphatasia. Identifiers: Orphanet 247651, Orphanet 436, MedGen C0268412, MONDO:1010169, OMIM 241500, MONDO:0009427.

Allele frequency attached by ClinVar (database versions not stated): gnomAD exomes 0.00001 and 0.00002; TOPMed 0.00003; ExAC 0.00004; gnomAD 0.00006; 1000 Genomes Project 30x 0.00016; 1000 Genomes Project 0.00020.
gnomAD v4.1: 21 of 1,613,944 alleles (0.0013%); highest among the groups gnomAD compares: African/African-American, 0.013%; no homozygotes.

Submissions (5):

Genomenon, Inc
Classification: Likely pathogenic for Hypophosphatasia. Last evaluated: 2025-08-29. Review status: criteria provided, single submitter. Criteria: Genomenon Sequence Variant Interpretation Standards. Collection method: curation. Allele origin: germline. Affected: yes.
Comment: ALPL c.371A>G is a missense variant that changes the amino acid at residue 124 from Asparagine to Serine. This variant has been observed in at least one proband affected with hypophosphatasia (PMID:36361766;33579333). Functional studies have been reported;however, the significance of the findings remain unclear (PMID:32160374). It is absent or not present at a significant frequency in gnomAD. In silico models agree that this variant is possibly or probably damaging. In conclusion, we classify ALPL p.Asn124Ser (c.371A>G) as a likely pathogenic variant.

Labcorp Genetics (formerly Invitae), Labcorp
Classification: Uncertain significance. Last evaluated: 2024-11-24. Review status: criteria provided, single submitter. Criteria: Invitae Variant Classification Sherloc (09022015). Collection method: clinical testing. Allele origin: germline.
Comment: This sequence change replaces asparagine, which is neutral and polar, with serine, which is neutral and polar, at codon 124 of the ALPL protein (p.Asn124Ser). This variant is present in population databases (rs11586344, gnomAD 0.03%). This missense change has been observed in individual(s) with clinical features of hypophosphatasia (PMID: 36361766). ClinVar contains an entry for this variant (Variation ID: 1057142). Invitae Evidence Modeling of protein sequence and biophysical properties (such as structural, functional, and spatial information, amino acid conservation, physicochemical variation, residue mobility, and thermodynamic stability) indicates that this missense variant is expected to disrupt ALPL protein function with a positive predictive value of 95%. In summary, the available evidence is currently insufficient to determine the role of this variant in disease. Therefore, it has been classified as a Variant of Uncertain Significance.

Fulgent Genetics
Classification: Uncertain significance for Adult hypophosphatasia; Infantile hypophosphatasia; Childhood hypophosphatasia. Last evaluated: 2024-05-13. Review status: criteria provided, single submitter. Criteria: ACMG Guidelines, 2015. Collection method: clinical testing. Allele origin: germline.

JKU Lab, Dept of Paediatrics, Johannes Kepler University
Classification: Likely pathogenic for Hypophosphatasia. Last evaluated: 2024-04-09. Review status: criteria provided, single submitter. Criteria: ACMG Guidelines, 2015. Collection method: clinical testing. Allele origin: germline. Affected: yes.
Comment: The variant is present in GnomAD, with a reported frequency of 0.0019914%. The ACMG criteria applied can be looked up in the ALPL gene variant database.

GeneDx
Classification: Uncertain significance. Last evaluated: 2019-08-20. Review status: criteria provided, single submitter. Criteria: GeneDx Variant Classification Process June 2021. Collection method: clinical testing. Allele origin: germline. Affected: yes.
Comment: Has not been previously published as pathogenic or benign to our knowledge; In silico analysis, which includes protein predictors and evolutionary conservation, supports a deleterious effect

Literature cited by the submitters: PubMed 36361766 (cited by 3 submitters); PubMed 33579333 (cited by Genomenon, Inc); PubMed 32160374 (cited by Genomenon, Inc).